The following is an entry in ClinVar:

NM_001166108.2(PALLD):c.2123T>C (p.Met708Thr)

Genes: CBR4 (carbonyl reductase 4; minus strand), PALLD (palladin, cytoskeletal associated protein; plus strand). Cytogenetic location: 4q32.3.
Variant type: single nucleotide variant.
Coding change: c.2123T>C on transcript NM_001166108.2 (MANE Select); coding-DNA position 2123, T replaced by C.
Protein change: p.Met708Thr; replaces methionine 708 with threonine.
Molecular consequence: missense variant. On other transcripts: initiator codon variant (4).
Genome position (GRCh38, 1-based): chr4:168,894,601, T>C. VCF-style: chr4-168894601-T-C. GRCh37 (hg19) VCF-style: chr4-169815752-T-C.
Other names: c.2T>C, p.Met1Thr (NM_001367570.1, NM_001367567.1, NM_001367568.1 and 1 more transcripts); c.2123T>C, p.Met708Thr (NM_016081.4); c.977T>C, p.Met326Thr (NM_001166109.2); c.662T>C, p.Met221Thr (NM_001166110.2); short protein forms M221T, M326T, M1T, M708T.
Identifiers: ClinVar variation 4564153 (VCV004564153.1).

ClinVar aggregate classification (germline): Uncertain significance (1 of 4 stars; one submission).

Submission:

Ambry Genetics
Classification: Uncertain significance. Last evaluated: 2025-10-03. Review status: criteria provided, single submitter. Criteria: Ambry Variant Classification Scheme 2023. Collection method: clinical testing. Allele origin: germline.
Comment: The p.M221T variant (also known as c.662T>C), located in coding exon 3 of the PALLD gene, results from a T to C substitution at nucleotide position 662. The methionine at codon 221 is replaced by threonine, an amino acid with similar properties. This amino acid position is conserved. In addition, this alteration is predicted to be deleterious by in silico analysis. Based on the available evidence, the clinical significance of this variant remains unclear.